The following is an entry in ClinVar:

ClinVar aggregate classification (germline): Uncertain significance (1 of 4 stars; one submission).

gnomAD v4.1: 4 of 1,611,124 alleles (0.00025%); highest among the groups gnomAD compares: South Asian, 0.0011%; no homozygotes.

Submission:

CeGaT Center for Human Genetics Tuebingen
Classification: Uncertain significance. Last evaluated: 2026-09-01. Review status: criteria provided, single submitter. Criteria: CeGaT Center For Human Genetics Tuebingen Variant Classification Criteria Version 2. Collection method: clinical testing. Allele origin: germline. Affected: yes. Observed: 1 variant allele.
Comment: ASH1L: PP3

NM_018489.3(ASH1L):c.7073A>G (p.His2358Arg)

Gene: ASH1L (ASH1 like histone lysine methyltransferase; minus strand). Cytogenetic location: 1q22.
Variant type: single nucleotide variant.
Coding change: c.7073A>G on transcript NM_018489.3 (MANE Select); coding-DNA position 7073, A replaced by G.
Protein change: p.His2358Arg; replaces histidine 2358 with arginine.
Molecular consequence: missense variant.
Genome position (GRCh38, 1-based): chr1:155,354,613, T>C on the plus strand (A>G on the coding strand, the complement: ASH1L is on the minus strand). VCF-style: chr1-155354613-T-C. GRCh37 (hg19) VCF-style: chr1-155324404-T-C.
Other names: c.7088A>G, p.His2363Arg (NM_001366177.2); short protein forms H2358R, H2363R.
Identifiers: ClinVar variation 5041268 (VCV005041268.1).
Genomic context (GRCh38, chr1:155,354,613, plus strand): 5'-TGCTTTACTTCCTCCTGTTTTTGACGAATCTTCTCCCAGTTTCGGACCAAGAATACATGA[T>C]GCTTTAACACAAAGTTCCTGCAAGGAAGGAAAAAAAATCTTCCTTTATTCATTAATTAAA-3'
Protein context (NP_060959.2, residues 2348-2368): SNRERNFVLK[His2358Arg]HVFLVRNWEK